The following is an entry in ClinVar:

ClinVar aggregate classification (germline): Likely pathogenic (1 of 4 stars; one submission).

Submission:

Labcorp Genetics (formerly Invitae), Labcorp
Classification: Likely pathogenic. Last evaluated: 2025-10-25. Review status: criteria provided, single submitter. Criteria: Invitae Variant Classification Sherloc (09022015). Collection method: clinical testing. Allele origin: germline.
Comment: This sequence change affects a donor splice site in intron 10 of the ADSSL1 gene. It is expected to disrupt RNA splicing. Variants that disrupt the donor or acceptor splice site typically lead to a loss of protein function (PMID: 16199547), and loss-of-function variants in ADSSL1 are known to be pathogenic (PMID: 26506222). This variant is not present in population databases (gnomAD no frequency). This variant has not been reported in the literature in individuals affected with ADSSL1-related conditions. Algorithms developed to predict the effect of sequence changes on RNA splicing suggest that this variant may disrupt the consensus splice site. In summary, the currently available evidence indicates that the variant is pathogenic, but additional data are needed to prove that conclusively. Therefore, this variant has been classified as Likely Pathogenic.

Literature cited by the submitters: PubMed 16199547; PubMed 26506222.

NM_152328.5(ADSS1):c.1073+1G>T

Gene: ADSS1 (adenylosuccinate synthase 1; plus strand). Cytogenetic location: 14q32.33.
Variant type: single nucleotide variant.
Coding change: c.1073+1G>T on transcript NM_152328.5 (MANE Select); the canonical splice donor site of the intron after coding-DNA position 1073, G replaced by T.
Molecular consequence: splice donor variant.
Genome position (GRCh38, 1-based): chr14:104,743,192, G>T. VCF-style: chr14-104743192-G-T. GRCh37 (hg19) VCF-style: chr14-105209529-G-T.
Other names: c.1202+1G>T (NM_199165.2); c.458+1G>T (NM_001320424.1).
Identifiers: ClinVar variation 4710797 (VCV004710797.1).